The following is an entry in ClinVar:

ClinVar aggregate classification (germline): Uncertain significance (1 of 4 stars; one submission).

Allele frequency attached by ClinVar (database versions not stated): gnomAD exomes below 0.00001 and 0.00001; ExAC 0.00001; gnomAD 0.00001; TOPMed 0.00001.

Submission:

GeneDx
Classification: Uncertain significance. Last evaluated: 2020-12-02. Review status: criteria provided, single submitter. Criteria: GeneDx Variant Classification Process June 2021. Collection method: clinical testing. Allele origin: germline. Affected: yes.
Comment: In silico analysis supports that this missense variant does not alter protein structure/function; Has not been previously published as pathogenic or benign to our knowledge

NM_001886.3(CRYBA4):c.521A>G (p.Lys174Arg)

Gene: CRYBA4 (crystallin beta A4; plus strand). Cytogenetic location: 22q12.1.
Variant type: single nucleotide variant.
Coding change: c.521A>G on transcript NM_001886.3 (MANE Select); coding-DNA position 521, A replaced by G.
Protein change: p.Lys174Arg; replaces lysine 174 with arginine.
Molecular consequence: missense variant.
Genome position (GRCh38, 1-based): chr22:26,630,417, A>G. VCF-style: chr22-26630417-A-G. GRCh37 (hg19) VCF-style: chr22-27026381-A-G.
Other names: short protein forms K174R.
Identifiers: ClinVar variation 1313722 (VCV001313722.2), dbSNP rs535488333, ClinGen allele CA10165853.